The following is an entry in ClinVar:

ClinVar aggregate classification (germline): Uncertain significance (1 of 4 stars; one submission).

Conditions:
MKKS-related disorder. Also called: MKKS-related disorders; MKKS-related condition.

Submission:

PreventionGenetics, part of Exact Sciences
Classification: Uncertain significance for MKKS-related condition. Last evaluated: 2025-05-09. Review status: criteria provided, single submitter. Criteria: ACMG Guidelines, 2015. Collection method: clinical testing. Allele origin: germline.
Comment: The MKKS c.1055C>T variant is predicted to result in the amino acid substitution p.Thr352Ile. To our knowledge, this variant has not been reported in the literature or in a large population database (gnomAD), indicating this variant is rare. At this time, the clinical significance of this variant is uncertain due to the absence of conclusive functional and genetic evidence.

NM_170784.3(MKKS):c.1055C>T (p.Thr352Ile)

Gene: MKKS (MKKS centrosomal shuttling protein; minus strand). Cytogenetic location: 20p12.2.
Variant type: single nucleotide variant.
Coding change: c.1055C>T on transcript NM_170784.3 (MANE Select); coding-DNA position 1055, C replaced by T.
Protein change: p.Thr352Ile; replaces threonine 352 with isoleucine.
Molecular consequence: missense variant. On other transcripts: non-coding transcript variant (1).
Genome position (GRCh38, 1-based): chr20:10,408,734, G>A on the plus strand (C>T on the coding strand, the complement: MKKS is on the minus strand). VCF-style: chr20-10408734-G-A. GRCh37 (hg19) VCF-style: chr20-10389382-G-A.
Other names: c.1055C>T, p.Thr352Ile (NM_018848.3); short protein forms T352I.
Identifiers: ClinVar variation 4999420 (VCV004999420.1).